The following is an entry in ClinVar:

ClinVar aggregate classification (germline): Pathogenic. Review status: reviewed by expert panel (3 of 4 stars). 6 submissions from 6 submitters: Pathogenic (1). 5 of the submissions do not count toward it. Last evaluated 2016-09-08.

Conditions:
Hereditary breast ovarian cancer syndrome. Also called: Hereditary breast and ovarian cancer; Hereditary breast and ovarian cancer syndrome; Breast and ovarian cancer; Hereditary breast and ovarian cancer syndrome (HBOC); Hereditary breast and/or ovarian cancer syndrome; BRCA1- and BRCA2-Associated Hereditary Breast and Ovarian Cancer. Identifiers: Orphanet 145, MedGen C0677776, MeSH D061325, MONDO:0003582. Disease mechanism: loss of function.
BRCA2-related disorder. Also called: BRCA2-related condition; BRCA2-related disorders. Identifiers: MedGen CN239275.
Breast-ovarian cancer, familial, susceptibility to, 2 (BROVCA2). Also called: BRCA2 Hereditary Breast and Ovarian Cancer. Identifiers: Orphanet 145, MedGen C2675520, MONDO:0012933, OMIM 612555. Disease mechanism: loss of function.
Hereditary cancer-predisposing syndrome. Also called: Hereditary Cancer Syndrome; Neoplastic Syndromes, Hereditary; Tumor predisposition; Hereditary neoplastic syndrome. Identifiers: Orphanet 140162, MedGen C0027672, MeSH D009386, MONDO:0015356.

Submissions (6):

Evidence-based Network for the Interpretation of Germline Mutant Alleles (ENIGMA)
Classification: Pathogenic for Breast-ovarian cancer, familial, susceptibility to, 2. Last evaluated: 2016-09-08. Review status: reviewed by expert panel. Criteria: ENIGMA BRCA1/2 Classification Criteria (2015). Collection method: curation. Allele origin: germline.
Comment: Variant allele predicted to encode a truncated non-functional protein.

PreventionGenetics, part of Exact Sciences
Classification: Pathogenic for BRCA2-related condition. Last evaluated: 2023-09-03. Review status: criteria provided, single submitter. Criteria: ACMG Guidelines, 2015. Collection method: clinical testing. Allele origin: germline. Not counted in ClinVar's aggregate classification.
Comment: The BRCA2 c.799G>T variant is predicted to result in premature protein termination (p.Gly267*). To our knowledge, this variant has not been reported in the literature or in a large population database, indicating this variant is rare. This variant is classified as likely pathogenic/pathogenic in ClinVar. Nonsense variants in BRCA2 are expected to be pathogenic. This variant is interpreted as pathogenic.

Labcorp Genetics (formerly Invitae), Labcorp
Classification: Pathogenic for Hereditary breast ovarian cancer syndrome. Last evaluated: 2022-10-16. Review status: criteria provided, single submitter. Criteria: Invitae Variant Classification Sherloc (09022015). Collection method: clinical testing. Allele origin: germline. Not counted in ClinVar's aggregate classification.
Comment: For these reasons, this variant has been classified as Pathogenic. ClinVar contains an entry for this variant (Variation ID: 186230). This variant has not been reported in the literature in individuals affected with BRCA2-related conditions. This variant is not present in population databases (gnomAD no frequency). This sequence change creates a premature translational stop signal (p.Gly267*) in the BRCA2 gene. It is expected to result in an absent or disrupted protein product. Loss-of-function variants in BRCA2 are known to be pathogenic (PMID: 20104584).

Ambry Genetics
Classification: Pathogenic for Hereditary cancer-predisposing syndrome. Last evaluated: 2021-12-01. Review status: criteria provided, single submitter. Criteria: Ambry Variant Classification Scheme 2023. Collection method: clinical testing. Allele origin: germline. Not counted in ClinVar's aggregate classification.
Comment: The p.G267* pathogenic mutation (also known as c.799G>T), located in coding exon 9 of the BRCA2 gene, results from a G to T substitution at nucleotide position 799. This changes the amino acid from a glycine to a stop codon within coding exon 9. This alteration is expected to result in loss of function by premature protein truncation or nonsense-mediated mRNA decay. As such, this alteration is interpreted as a disease-causing mutation.

Women's Health and Genetics/Laboratory Corporation of America, LabCorp
Classification: Likely pathogenic for Hereditary breast and ovarian cancer syndrome. Last evaluated: 2018-02-22. Review status: criteria provided, single submitter. Criteria: LabCorp Variant Classification Summary - May 2015. Collection method: clinical testing. Allele origin: germline. Not counted in ClinVar's aggregate classification.
Comment: Variant summary: BRCA2 c.799G>T (p.Gly267X) results in a premature termination codon, predicted to cause a truncation of the encoded protein or absence of the protein due to nonsense mediated decay, which are commonly known mechanisms for disease. Truncations downstream of this position have been classified as pathogenic by our laboratory (eg. c.846_847delCA/p.Ile283fsX11). The variant was absent in 239416 control chromosomes. To our knowledge, no occurrence of c.799G>T in individuals affected with Hereditary Breast and Ovarian Cancer and no experimental evidence demonstrating its impact on protein function have been reported. Three clinical diagnostic laboratories have submitted clinical-significance assessments for this variant to ClinVar after 2014 without evidence for independent evaluation. All laboratories classified the variant as pathogenic. Based on the evidence outlined above, the variant was classified as likely pathogenic.

GeneDx
Classification: Pathogenic. Last evaluated: 2015-12-04. Review status: criteria provided, single submitter. Criteria: GeneDx Variant Classification (06012015). Collection method: clinical testing. Allele origin: germline. Affected: yes. Not counted in ClinVar's aggregate classification.
Comment: This pathogenic variant is denoted BRCA2 c.799G>T at the cDNA level and p.Gly267Ter (G267X) at the protein level. Using alternate nomenclature, this variant would be defined as BRCA2 c.1027G>T. The substitution creates a nonsense variant, which changes a Glycine to a premature stop codon (GGA>TGA), and is predicted to cause loss of normal protein function through either protein truncation or nonsense-mediated mRNA decay. Although this variant has not, to our knowledge, been reported in the literature, it is considered pathogenic.

Literature cited by the submitters: PubMed 20104584 (cited by Labcorp Genetics (formerly Invitae), Labcorp).

NM_000059.4(BRCA2):c.799G>T (p.Gly267Ter)

Gene: BRCA2 (BRCA2 DNA repair associated; plus strand). Cytogenetic location: 13q13.1.
Variant type: single nucleotide variant.
Coding change: c.799G>T on transcript NM_000059.4 (MANE Select); coding-DNA position 799, G replaced by T.
Protein change: p.Gly267Ter; replaces glycine 267 with a stop codon.
Molecular consequence: nonsense.
Genome position (GRCh38, 1-based): chr13:32,332,277, G>T. VCF-style: chr13-32332277-G-T. GRCh37 (hg19) VCF-style: chr13-32906414-G-T.
Other names: short protein forms G267*.
Identifiers: ClinVar variation 186230 (VCV000186230.18), dbSNP rs786202796, ClinGen allele CA025393.